The following is an entry in ClinVar:

ClinVar aggregate classification (germline): Uncertain significance. Review status: criteria provided, multiple submitters, no conflicts (2 of 4 stars). 4 submissions from 4 submitters: Uncertain significance (4). Last evaluated 2026-09-16.

Conditions:
TTN-related disorder. Also called: TTN-related condition; TTN-related disease; TTN-related disorders.
Early-onset myopathy with fatal cardiomyopathy (CMYO5). Also called: Salih Myopathy; CONGENITAL MYOPATHY 5 WITH CARDIOMYOPATHY. Identifiers: Orphanet 289377, MedGen C2673677, MONDO:0012714, OMIM 611705. Disease mechanism: loss of function.
Tibial muscular dystrophy (TMD). Also called: Tibial muscular dystrophy, tardive; UDD MYOPATHY; Udd Distal Myopathy – Tibial Muscular Dystrophy. Identifiers: Orphanet 609, MedGen C1838244, MONDO:0010870, OMIM 600334.
Dilated cardiomyopathy 1G (CMD1G). Identifiers: Orphanet 154, MedGen C1858763, MONDO:0011400, OMIM 604145.
Autosomal recessive limb-girdle muscular dystrophy type 2J (LGMDR10). Also called: Limb-girdle muscular dystrophy, type 2J; MUSCULAR DYSTROPHY, LIMB-GIRDLE, AUTOSOMAL RECESSIVE 10. Identifiers: Orphanet 140922, MedGen C1837342, MONDO:0012127, OMIM 608807.
Hypertrophic cardiomyopathy 9. Also called: Familial hypertrophic cardiomyopathy 9. Identifiers: MedGen C1861065, MONDO:0013412, OMIM 613765.
Myopathy, myofibrillar, 9, with early respiratory failure (MFM9). Also called: EDSTROM MYOPATHY; Myopathy, distal, with early respiratory failure, autosomal dominant; Hereditary myopathy with early respiratory failure; MYOPATHY, PROXIMAL, WITH EARLY RESPIRATORY MUSCLE INVOLVEMENT. Identifiers: Orphanet 178464, Orphanet 34521, MedGen C1863599, MONDO:0011362, OMIM 603689.

Allele frequency attached by ClinVar (database versions not stated): gnomAD exomes below 0.00001; TOPMed 0.00002; gnomAD 0.00003 and 0.00004.
gnomAD v4.1: 10 of 1,612,918 alleles (0.00062%); highest among the groups gnomAD compares: African/African-American, 0.0094%; no homozygotes.

Submissions (4):

PreventionGenetics, part of Exact Sciences
Classification: Uncertain significance for TTN-related condition. Last evaluated: 2026-09-16. Review status: criteria provided, single submitter. Criteria: ACMG Guidelines, 2015. Collection method: clinical testing. Allele origin: germline.
Comment: The TTN c.20426T>C variant is predicted to result in the amino acid substitution p.Ile6809Thr. To our knowledge, this variant has not been reported in the literature. This variant is reported in 0.011% of alleles in individuals of African descent in gnomAD. At this time, the clinical significance of this variant is uncertain due to the absence of conclusive functional and genetic evidence.

GeneDx
Classification: Uncertain significance. Last evaluated: 2024-04-30. Review status: criteria provided, single submitter. Criteria: GeneDx Variant Classification Process June 2021. Collection method: clinical testing. Allele origin: germline. Affected: yes.
Comment: Not observed at significant frequency in large population cohorts (gnomAD); Missense variant in a gene in which most reported pathogenic variants are truncating/loss of function; Has not been previously published as pathogenic or benign to our knowledge

Fulgent Genetics
Classification: Uncertain significance for Tibial muscular dystrophy; Myopathy, myofibrillar, 9, with early respiratory failure; Dilated cardiomyopathy 1G; Autosomal recessive limb-girdle muscular dystrophy type 2J; Early-onset myopathy with fatal cardiomyopathy; Hypertrophic cardiomyopathy 9. Last evaluated: 2021-09-20. Review status: criteria provided, single submitter. Criteria: ACMG Guidelines, 2015. Collection method: clinical testing. Allele origin: unknown.

Eurofins Ntd Llc (ga)
Classification: Uncertain significance. Last evaluated: 2017-01-31. Review status: criteria provided, single submitter. Criteria: EGL Classification Definitions 2015. Collection method: clinical testing. Allele origin: germline. Observed: 1 variant allele, 1 heterozygote.

NM_001267550.2(TTN):c.20426T>C (p.Ile6809Thr)

Gene: TTN (titin; minus strand). Cytogenetic location: 2q31.2.
Variant type: single nucleotide variant.
Coding change: c.20426T>C on transcript NM_001267550.2 (MANE Select); coding-DNA position 20426, T replaced by C.
Protein change: p.Ile6809Thr; replaces isoleucine 6809 with threonine.
Molecular consequence: missense variant. On other transcripts: intron variant (3).
Genome position (GRCh38, 1-based): chr2:178,725,896, A>G on the plus strand (T>C on the coding strand, the complement: TTN is on the minus strand). VCF-style: chr2-178725896-A-G. GRCh37 (hg19) VCF-style: chr2-179590623-A-G.
Other names: c.19475T>C, p.Ile6492Thr (NM_001256850.1); c.16694T>C, p.Ile5565Thr (NM_133378.4); c.13282+12186T>C (NM_003319.4); c.13858+12186T>C (NM_133437.4); c.13657+12186T>C (NM_133432.3); c.20426T>C (NM_001267550.1); short protein forms I5565T, I6809T, I6492T.
Identifiers: ClinVar variation 500221 (VCV000500221.8), dbSNP rs879197315, ClinGen allele CA60975100.
Genomic context (GRCh38, chr2:178,725,896, plus strand): 5'-CCGATGTCTGAAGTGTCCACATTGAGAATGTGAATACTTGTGTGGAAGTTTTTGGATGCA[A>G]TCTTGTATTTCTTGCTGCTTCTGAGTTGCCGCTTGTCTTTGTACCATACCACCTCAAACG-3'
Protein context (NP_001254479.2, residues 6799-6819): RQLRSSKKYK[Ile6809Thr]ASKNFHTSIH